The following is an entry in ClinVar:

ClinVar aggregate classification (germline): Likely benign (0 of 4 stars; one submission).

Conditions:
CABIN1-related disorder. Also called: CABIN1-related condition.

gnomAD v4.1: 258 of 1,613,414 alleles (0.016%); highest among the groups gnomAD compares: Admixed American, 0.088%; 1 homozygote.

Submission:

PreventionGenetics, part of Exact Sciences
Classification: Likely benign for CABIN1-related condition. Last evaluated: 2020-01-20. Review status: no assertion criteria provided. Collection method: clinical testing. Allele origin: germline.
Comment: This variant is classified as likely benign based on ACMG/AMP sequence variant interpretation guidelines (Richards et al. 2015 PMID: 25741868, with internal and published modifications).

NM_012295.4(CABIN1):c.1262+10A>T

Gene: CABIN1 (calcineurin binding protein 1; plus strand). Cytogenetic location: 22q11.23.
Variant type: single nucleotide variant.
Coding change: c.1262+10A>T on transcript NM_012295.4 (MANE Select); 10 bases into the intron after coding-DNA position 1262, A replaced by T.
Molecular consequence: intron variant.
Genome position (GRCh38, 1-based): chr22:24,056,370, A>T. VCF-style: chr22-24056370-A-T. GRCh37 (hg19) VCF-style: chr22-24452833-A-T.
Other names: c.1112+10A>T (NM_001201429.2); c.1262+10A>T (NM_001199281.1).
Identifiers: ClinVar variation 3051043 (VCV003051043.2), dbSNP rs181541560, ClinGen allele CA10148563.